The following is an entry in ClinVar:

NM_139318.5(KCNH5):c.2822T>C (p.Ile941Thr)

Gene: KCNH5 (potassium voltage-gated channel subfamily H member 5; minus strand). Cytogenetic location: 14q23.2.
Variant type: single nucleotide variant.
Coding change: c.2822T>C on transcript NM_139318.5 (MANE Select); coding-DNA position 2822, T replaced by C.
Protein change: p.Ile941Thr; replaces isoleucine 941 with threonine.
Molecular consequence: missense variant. On other transcripts: 3 prime UTR variant (1).
Genome position (GRCh38, 1-based): chr14:62,707,653, A>G on the plus strand (T>C on the coding strand, the complement: KCNH5 is on the minus strand). VCF-style: chr14-62707653-A-G. GRCh37 (hg19) VCF-style: chr14-63174371-A-G.
Other names: c.*789T>C (NM_172375.3); short protein forms I941T.
Identifiers: ClinVar variation 2902999 (VCV002902999.3), dbSNP rs757988351, ClinGen allele CA7217181.

ClinVar aggregate classification (germline): Uncertain significance (1 of 4 stars; one submission).

Conditions:
Early-infantile DEE. Also called: Early infantile epileptic encephalopathy; Ohtahara syndrome; Early infantile epileptic encephalopathy with suppression bursts. Identifiers: Orphanet 1934, MedGen C0393706, MONDO:0800491.

Allele frequency attached by ClinVar (database versions not stated): TOPMed below 0.00001; ExAC 0.00001; gnomAD exomes 0.00001.
gnomAD v4.1: 4 of 1,586,884 alleles (0.00025%); highest among the groups gnomAD compares: East Asian, 0.009%; no homozygotes.

Submission:

Labcorp Genetics (formerly Invitae), Labcorp
Classification: Uncertain significance for Early-infantile DEE. Last evaluated: 2022-12-12. Review status: criteria provided, single submitter. Criteria: Invitae Variant Classification Sherloc (09022015). Collection method: clinical testing. Allele origin: germline.
Comment: This variant is present in population databases (rs757988351, gnomAD 0.02%). This sequence change replaces isoleucine, which is neutral and non-polar, with threonine, which is neutral and polar, at codon 941 of the KCNH5 protein (p.Ile941Thr). This variant has not been reported in the literature in individuals affected with KCNH5-related conditions. In summary, the available evidence is currently insufficient to determine the role of this variant in disease. Therefore, it has been classified as a Variant of Uncertain Significance. Advanced modeling of protein sequence and biophysical properties (such as structural, functional, and spatial information, amino acid conservation, physicochemical variation, residue mobility, and thermodynamic stability) performed at Invitae indicates that this missense variant is not expected to disrupt KCNH5 protein function.